The following is an entry in ClinVar:

ClinVar aggregate classification (germline): Uncertain significance (1 of 4 stars; one submission).

Submission:

Ambry Genetics
Classification: Uncertain significance. Last evaluated: 2025-07-28. Review status: criteria provided, single submitter. Criteria: Ambry Variant Classification Scheme 2023. Collection method: clinical testing. Allele origin: germline.
Comment: The p.Q598P variant (also known as c.1793A>C), located in coding exon 2 of the CDK12 gene, results from an A to C substitution at nucleotide position 1793. The glutamine at codon 598 is replaced by proline, an amino acid with similar properties. This amino acid position is conserved. In addition, this alteration is predicted to be tolerated by in silico analysis. Based on the available evidence, the clinical significance of this variant remains unclear.

NM_016507.4(CDK12):c.1793A>C (p.Gln598Pro)

Gene: CDK12 (cyclin dependent kinase 12; plus strand). Cytogenetic location: 17q12.
Variant type: single nucleotide variant.
Coding change: c.1793A>C on transcript NM_016507.4 (MANE Select); coding-DNA position 1793, A replaced by C.
Protein change: p.Gln598Pro; replaces glutamine 598 with proline.
Molecular consequence: missense variant.
Genome position (GRCh38, 1-based): chr17:39,471,625, A>C. VCF-style: chr17-39471625-A-C. GRCh37 (hg19) VCF-style: chr17-37627878-A-C.
Other names: c.1793A>C, p.Gln598Pro (NM_015083.4); short protein forms Q598P.
Identifiers: ClinVar variation 4224310 (VCV004224310.1).